The following is an entry in ClinVar:

ClinVar aggregate classification (germline): Uncertain significance (1 of 4 stars; one submission).

Conditions:
Developmental and epileptic encephalopathy 94 (DEE94). Also called: CHD2-Related Neurodevelopmental Disorders; Epileptic encephalopathy, childhood-onset. Identifiers: Orphanet 1942, Orphanet 2382, MedGen C3809278, MONDO:0014150, OMIM 615369.

Submission:

Labcorp Genetics (formerly Invitae), Labcorp
Classification: Uncertain significance for Developmental and epileptic encephalopathy 94. Last evaluated: 2024-05-14. Review status: criteria provided, single submitter. Criteria: Invitae Variant Classification Sherloc (09022015). Collection method: clinical testing. Allele origin: germline.
Comment: This sequence change affects codon 500 of the CHD2 mRNA. It is a 'silent' change, meaning that it does not change the encoded amino acid sequence of the CHD2 protein. This variant is not present in population databases (gnomAD no frequency). This variant has not been reported in the literature in individuals affected with CHD2-related conditions. Algorithms developed to predict the effect of sequence changes on RNA splicing suggest that this variant may disrupt the consensus splice site. In summary, the available evidence is currently insufficient to determine the role of this variant in disease. Therefore, it has been classified as a Variant of Uncertain Significance.

NM_001271.4(CHD2):c.1500C>T (p.Cys500=)

Gene: CHD2 (chromodomain helicase DNA binding protein 2; plus strand). Cytogenetic location: 15q26.1.
Variant type: single nucleotide variant.
Coding change: c.1500C>T on transcript NM_001271.4 (MANE Select); coding-DNA position 1500, C replaced by T.
Protein change: p.Cys500=; no amino-acid change (cysteine 500 retained).
Molecular consequence: synonymous variant.
Genome position (GRCh38, 1-based): chr15:92,949,074, C>T. VCF-style: chr15-92949074-C-T. GRCh37 (hg19) VCF-style: chr15-93492304-C-T.
Other names: c.1500C>T, p.Cys500= (NM_001042572.3).
Identifiers: ClinVar variation 3653310 (VCV003653310.2).